The following is an entry in ClinVar:

NM_139343.3(BIN1):c.*82C>A

Gene: BIN1 (bridging integrator 1; minus strand). Cytogenetic location: 2q14.3.
Variant type: single nucleotide variant.
Coding change: c.*82C>A on transcript NM_139343.3 (MANE Select); 82 bases downstream of the stop codon, C replaced by A.
Molecular consequence: 3 prime UTR variant.
Genome position (GRCh38, 1-based): chr2:127,048,444, G>T on the plus strand (C>A on the coding strand, the complement: BIN1 is on the minus strand). VCF-style: chr2-127048444-G-T. GRCh37 (hg19) VCF-style: chr2-127806020-G-T.
Other names: NC_000002.11:g.127806020G>T; c.*82C>A (NM_001320632.2, NM_001320633.2, NM_001320634.1 and 12 more transcripts).
Identifiers: ClinVar variation 892713 (VCV000892713.7), dbSNP rs111649895, ClinGen allele CA55334744.
Genomic context (GRCh38, chr2:127,048,444, plus strand): 5'-ACGCCCCTCTGCCTGGGGGTCTCCTCTTGATTTCCCTTTGCTCTTCAAAAGATGAAAAAC[G>T]AAAACAAAACAAAAAAAAGAACCACACATTTTTCGGGAGGAGGTGTTCTTCACACGCCCG-3'

ClinVar aggregate classification (germline): Benign/Likely benign. Review status: criteria provided, multiple submitters, no conflicts (2 of 4 stars). 2 submissions from 2 submitters: Benign (1); Likely benign (1). Last evaluated 2019-11-22.

Conditions:
Myopathy, centronuclear, 2 (CNM2). Also called: MYOTUBULAR MYOPATHY, AUTOSOMAL RECESSIVE. Identifiers: Orphanet 169186, MedGen CN031787, MONDO:0009709, OMIM 255200.

Allele frequency attached by ClinVar (database versions not stated): 1000 Genomes Project 0.00599; 1000 Genomes Project 30x 0.00562; TOPMed 0.00683.
gnomAD v4.1: 1,709 of 1,384,950 alleles (0.12%); highest among the groups gnomAD compares: African/African-American, 2.2%; 19 homozygotes.

Submissions (4):

GeneDx
Classification: Likely benign. Last evaluated: 2019-11-22. Review status: criteria provided, single submitter. Criteria: GeneDx Variant Classification Process June 2021. Collection method: clinical testing. Allele origin: germline. Affected: yes.

Illumina Laboratory Services, Illumina
Classification: Benign for Myopathy, centronuclear, 2. Last evaluated: 2017-04-27. Review status: criteria provided, single submitter. Criteria: ICSL Variant Classification Criteria 13 December 2019. Collection method: clinical testing. Allele origin: germline.
Comment: This variant was observed as part of a predisposition screen in an ostensibly healthy population. A literature search was performed for the gene, cDNA change, and amino acid change (where applicable). No publications were found based on this search. Allele frequency data from public databases was too high to be consistent with this variant causing disease. Therefore, this variant is classified as benign.

Dr. Peter K. Rogan Lab, Western University
No classification provided (evidence only). Condition: Uterine corpus endometrial carcinoma. Review status: no classification provided. Collection method: in vitro. Allele origin: not applicable. Functional consequence: retained intron. Not counted in ClinVar's aggregate classification.

Dr. Peter K. Rogan Lab, Western University
No classification provided (evidence only). Condition: Uterine corpus endometrial carcinoma. Review status: no classification provided. Collection method: in vitro. Allele origin: not applicable. Functional consequence: retained intron. Not counted in ClinVar's aggregate classification.